The following is an entry in ClinVar:

ClinVar aggregate classification (germline): Uncertain significance (1 of 4 stars; one submission).

Conditions:
Hereditary cancer-predisposing syndrome. Also called: Neoplastic Syndromes, Hereditary; Tumor predisposition; Hereditary Cancer Syndrome; Hereditary neoplastic syndrome. Identifiers: Orphanet 140162, MedGen C0027672, MeSH D009386, MONDO:0015356.
Familial thoracic aortic aneurysm and aortic dissection (TAAD). Also called: Thoracic aortic aneurysms and dissections. Identifiers: Orphanet 91387, MedGen C4707243, MONDO:0019625.

Submission:

Ambry Genetics
Classification: Uncertain significance for Hereditary cancer-predisposing syndrome; Familial thoracic aortic aneurysm and aortic dissection. Last evaluated: 2022-05-02. Review status: criteria provided, single submitter. Criteria: Ambry Variant Classification Scheme 2023. Collection method: clinical testing. Allele origin: germline.
Comment: The p.K113E variant (also known as c.337A>G), located in coding exon 2 of the SMAD4 gene, results from an A to G substitution at nucleotide position 337. The lysine at codon 113 is replaced by glutamic acid, an amino acid with similar properties. This amino acid position is conserved. In addition, this alteration is predicted to be deleterious by in silico analysis. Since supporting evidence is limited at this time, the clinical significance of this alteration remains unclear.

NM_005359.6(SMAD4):c.337A>G (p.Lys113Glu)

Gene: SMAD4 (SMAD family member 4; plus strand). Cytogenetic location: 18q21.2.
Variant type: single nucleotide variant.
Coding change: c.337A>G on transcript NM_005359.6 (MANE Select); coding-DNA position 337, A replaced by G.
Protein change: p.Lys113Glu; replaces lysine 113 with glutamic acid.
Molecular consequence: missense variant.
Genome position (GRCh38, 1-based): chr18:51,048,773, A>G. VCF-style: chr18-51048773-A-G. GRCh37 (hg19) VCF-style: chr18-48575143-A-G.
Other names: c.337A>G, p.Lys113Glu (NM_001407041.1, NM_001407042.1, NM_001407043.1); short protein forms K113E.
Identifiers: ClinVar variation 1730798 (VCV001730798.2), dbSNP rs2144405654, ClinGen allele CA402458408.
Genomic context (GRCh38, chr18:51,048,773, plus strand): 5'-GTGATCTATGCCCGTCTCTGGAGGTGGCCTGATCTTCACAAAAATGAACTAAAACATGTT[A>G]AATATTGTCAGTATGCGTTTGACTTAAAATGTGATAGTGTCTGTGTGAATCCATATCACT-3'
Protein context (NP_005350.1, residues 103-123): DLHKNELKHV[Lys113Glu]YCQYAFDLKC